The following is an entry in ClinVar:

NM_000528.4(MAN2B1):c.2758C>G (p.Gln920Glu)

Gene: MAN2B1 (mannosidase alpha class 2B member 1; minus strand). Cytogenetic location: 19p13.13.
Variant type: single nucleotide variant.
Coding change: c.2758C>G on transcript NM_000528.4 (MANE Select); coding-DNA position 2758, C replaced by G.
Protein change: p.Gln920Glu; replaces glutamine 920 with glutamic acid.
Molecular consequence: missense variant.
Genome position (GRCh38, 1-based): chr19:12,647,505, G>C on the plus strand (C>G on the coding strand, the complement: MAN2B1 is on the minus strand). VCF-style: chr19-12647505-G-C. GRCh37 (hg19) VCF-style: chr19-12758319-G-C.
Other names: c.2755C>G, p.Gln919Glu (NM_001173498.2); short protein forms Q920E, Q919E.
Identifiers: ClinVar variation 2060901 (VCV002060901.4), dbSNP rs377752596, ClinGen allele CA305460269.

ClinVar aggregate classification (germline): Uncertain significance (1 of 4 stars; one submission).

Conditions:
Deficiency of alpha-mannosidase (MANSA). Also called: Mannosidosis, alpha-, types I and II; Alpha-Mannosidosis; LYSOSOMAL ALPHA-D-MANNOSIDASE DEFICIENCY. Identifiers: Orphanet 61, MedGen C0024748, MONDO:0009561, OMIM 248500.

gnomAD v4.1: 1 of 1,614,246 alleles (0.000062%); no homozygotes.

Submission:

Labcorp Genetics (formerly Invitae), Labcorp
Classification: Uncertain significance for Deficiency of alpha-mannosidase. Last evaluated: 2025-04-07. Review status: criteria provided, single submitter. Criteria: Invitae Variant Classification Sherloc (09022015). Collection method: clinical testing. Allele origin: germline.
Comment: This sequence change replaces glutamine, which is neutral and polar, with glutamic acid, which is acidic and polar, at codon 920 of the MAN2B1 protein (p.Gln920Glu). This variant is not present in population databases (gnomAD no frequency). This variant has not been reported in the literature in individuals affected with MAN2B1-related conditions. ClinVar contains an entry for this variant (Variation ID: 2060901). Invitae Evidence Modeling of protein sequence and biophysical properties (such as structural, functional, and spatial information, amino acid conservation, physicochemical variation, residue mobility, and thermodynamic stability) has been performed for this missense variant. However, the output from this modeling did not meet the statistical confidence thresholds required to predict the impact of this variant on MAN2B1 protein function. In summary, the available evidence is currently insufficient to determine the role of this variant in disease. Therefore, it has been classified as a Variant of Uncertain Significance.